The following is an entry in ClinVar:

NM_020693.4(DSCAML1):c.526A>G (p.Ile176Val)

Gene: DSCAML1 (DS cell adhesion molecule like 1; minus strand). Cytogenetic location: 11q23.3.
Variant type: single nucleotide variant.
Coding change: c.526A>G on transcript NM_020693.4 (MANE Select); coding-DNA position 526, A replaced by G.
Protein change: p.Ile176Val; replaces isoleucine 176 with valine.
Molecular consequence: missense variant.
Genome position (GRCh38, 1-based): chr11:117,532,508, T>C on the plus strand (A>G on the coding strand, the complement: DSCAML1 is on the minus strand). VCF-style: chr11-117532508-T-C. GRCh37 (hg19) VCF-style: chr11-117403223-T-C.
Other names: c.526A>G, p.Ile176Val (NM_001367904.1); c.118A>G, p.Ile40Val (NM_001367905.1); short protein forms I176V, I40V.
Identifiers: ClinVar variation 1413670 (VCV001413670.6), dbSNP rs1255641674, ClinGen allele CA382752234.

ClinVar aggregate classification (germline): Uncertain significance (1 of 4 stars; one submission).

Allele frequency attached by ClinVar (database versions not stated): gnomAD exomes below 0.00001.
gnomAD v4.1: 1 of 1,613,490 alleles (0.000062%); highest among the groups gnomAD compares: Non-Finnish European, 0.000085%; no homozygotes.

Submission:

Labcorp Genetics (formerly Invitae), Labcorp
Classification: Uncertain significance. Last evaluated: 2021-10-22. Review status: criteria provided, single submitter. Criteria: Invitae Variant Classification Sherloc (09022015). Collection method: clinical testing. Allele origin: germline.
Comment: This sequence change replaces isoleucine with valine at codon 236 of the DSCAML1 protein (p.Ile236Val). The isoleucine residue is weakly conserved and there is a small physicochemical difference between isoleucine and valine. This variant is not present in population databases (ExAC no frequency). This variant has not been reported in the literature in individuals affected with DSCAML1-related conditions. Algorithms developed to predict the effect of missense changes on protein structure and function (SIFT, PolyPhen-2, Align-GVGD) all suggest that this variant is likely to be tolerated. In summary, the available evidence is currently insufficient to determine the role of this variant in disease. Therefore, it has been classified as a Variant of Uncertain Significance.